The following is an entry in ClinVar:

ClinVar aggregate classification (germline): Uncertain significance (1 of 4 stars; one submission).

Conditions:
Familial adenomatous polyposis 2. Also called: MUTYH-associated polyposis; MUTYH-related attenuated familial adenomatous polyposis; FAP type 2; Adenomas, multiple colorectal; MYH-associated polyposis; MUTYH Polyposis. Identifiers: Orphanet 220460, Orphanet 247798, MedGen C3272841, MONDO:0012041, OMIM 608456.

Submission:

Labcorp Genetics (formerly Invitae), Labcorp
Classification: Uncertain significance for Familial adenomatous polyposis 2. Last evaluated: 2022-10-12. Review status: criteria provided, single submitter. Criteria: Invitae Variant Classification Sherloc (09022015). Collection method: clinical testing. Allele origin: germline.
Comment: This sequence change replaces alanine, which is neutral and non-polar, with glycine, which is neutral and non-polar, at codon 240 of the MUTYH protein (p.Ala240Gly). This variant is not present in population databases (gnomAD no frequency). This variant has not been reported in the literature in individuals affected with MUTYH-related conditions. Algorithms developed to predict the effect of missense changes on protein structure and function (SIFT, PolyPhen-2, Align-GVGD) all suggest that this variant is likely to be tolerated. In summary, the available evidence is currently insufficient to determine the role of this variant in disease. Therefore, it has been classified as a Variant of Uncertain Significance.

NM_001048174.2(MUTYH):c.635C>G (p.Ala212Gly)

Gene: MUTYH (mutY DNA glycosylase; minus strand). Cytogenetic location: 1p34.1.
Variant type: single nucleotide variant.
Coding change: c.635C>G on transcript NM_001048174.2 (MANE Select); coding-DNA position 635, C replaced by G.
Protein change: p.Ala212Gly; replaces alanine 212 with glycine.
Molecular consequence: missense variant. On other transcripts: non-coding transcript variant (2).
Genome position (GRCh38, 1-based): chr1:45,332,460, G>C on the plus strand (C>G on the coding strand, the complement: MUTYH is on the minus strand). VCF-style: chr1-45332460-G-C. GRCh37 (hg19) VCF-style: chr1-45798132-G-C.
Other names: c.290C>G, p.Ala97Gly (NM_001350651.2, NM_001350650.2, NM_001407082.1); c.668C>G, p.Ala223Gly (NM_001407069.1, NM_001407077.1, NM_001293191.2); c.635C>G, p.Ala212Gly (NM_001407070.1, NM_001407072.1, NM_001407073.1 and 6 more transcripts); c.638C>G, p.Ala213Gly (NM_001407071.1, NM_001407078.1, NM_001048172.2 and 1 more transcripts); c.551C>G, p.Ala184Gly (NM_001407075.1); c.596C>G, p.Ala199Gly (NM_001407079.1); c.719C>G, p.Ala240Gly (NM_001128425.2); c.680C>G, p.Ala227Gly (NM_001293190.2); and 5 more; short protein forms A120G, A184G, A198G, A199G, A212G, A213G, A219G, A223G.
Identifiers: ClinVar variation 1719462 (VCV001719462.5), dbSNP rs369120013, ClinGen allele CA340134868.